The following is an entry in ClinVar:

NM_006383.4(CIB2):c.454G>T (p.Val152Phe)

Gene: CIB2 (calcium and integrin binding family member 2; minus strand). Cytogenetic location: 15q25.1.
Variant type: single nucleotide variant.
Coding change: c.454G>T on transcript NM_006383.4 (MANE Select); coding-DNA position 454, G replaced by T.
Protein change: p.Val152Phe; replaces valine 152 with phenylalanine.
Molecular consequence: missense variant. On other transcripts: non-coding transcript variant (1).
Genome position (GRCh38, 1-based): chr15:78,105,827, C>A on the plus strand (G>T on the coding strand, the complement: CIB2 is on the minus strand). VCF-style: chr15-78105827-C-A. GRCh37 (hg19) VCF-style: chr15-78398169-C-A.
Other names: c.325G>T, p.Val109Phe (NM_001271888.2); c.307G>T, p.Val103Phe (NM_001271889.2); c.469G>T, p.Val157Phe (NM_001301224.2); short protein forms V103F, V109F, V152F, V157F.
Identifiers: ClinVar variation 1062305 (VCV001062305.6), dbSNP rs1203324568, ClinGen allele CA393545598.

ClinVar aggregate classification (germline): Uncertain significance (1 of 4 stars; one submission).

Submission:

Labcorp Genetics (formerly Invitae), Labcorp
Classification: Uncertain significance. Last evaluated: 2021-08-30. Review status: criteria provided, single submitter. Criteria: Invitae Variant Classification Sherloc (09022015). Collection method: clinical testing. Allele origin: germline.
Comment: This sequence change replaces valine with phenylalanine at codon 152 of the CIB2 protein (p.Val152Phe). The valine residue is moderately conserved and there is a small physicochemical difference between valine and phenylalanine. This variant is not present in population databases (ExAC no frequency). This variant has not been reported in the literature in individuals affected with CIB2-related conditions. Algorithms developed to predict the effect of missense changes on protein structure and function are either unavailable or do not agree on the potential impact of this missense change (SIFT: "Deleterious"; PolyPhen-2: "Possibly Damaging"; Align-GVGD: "Class C0"). In summary, the available evidence is currently insufficient to determine the role of this variant in disease. Therefore, it has been classified as a Variant of Uncertain Significance.